The following is an entry in ClinVar:

ClinVar aggregate classification (germline): Uncertain significance (1 of 4 stars; one submission).

gnomAD v4.1: 1 of 1,610,826 alleles (0.000062%); no homozygotes.

Submission:

GeneDx
Classification: Uncertain significance. Last evaluated: 2024-10-02. Review status: criteria provided, single submitter. Criteria: GeneDx Variant Classification Process June 2021. Collection method: clinical testing. Allele origin: germline. Affected: yes.
Comment: Not observed at significant frequency in large population cohorts (gnomAD); In silico analysis indicates that this missense variant does not alter protein structure/function; Has not been previously published as pathogenic or benign to our knowledge

NM_001020658.2(PUM1):c.1444G>T (p.Ala482Ser)

Gene: PUM1 (pumilio RNA binding family member 1; minus strand). Cytogenetic location: 1p35.2.
Variant type: single nucleotide variant.
Coding change: c.1444G>T on transcript NM_001020658.2 (MANE Select); coding-DNA position 1444, G replaced by T.
Protein change: p.Ala482Ser; replaces alanine 482 with serine.
Molecular consequence: missense variant.
Genome position (GRCh38, 1-based): chr1:30,974,713, C>A on the plus strand (G>T on the coding strand, the complement: PUM1 is on the minus strand). VCF-style: chr1-30974713-C-A. GRCh37 (hg19) VCF-style: chr1-31447560-C-A.
Other names: c.1444G>T, p.Ala482Ser (NM_014676.3); short protein forms A482S.
Identifiers: ClinVar variation 3776408 (VCV003776408.1).